The following is an entry in ClinVar:

NM_002907.4(RECQL):c.1667+53del

Gene: RECQL (RecQ like helicase; minus strand). Cytogenetic location: 12p12.1.
Variant type: Deletion.
Coding change: c.1667+53del on transcript NM_002907.4 (MANE Select); 53 bases into the intron after coding-DNA position 1667, one base deleted (T; older notation c.1667+53delT).
Molecular consequence: intron variant.
Genome position (GRCh38, 1-based): chr12:21,471,375, A deleted on the plus strand (T on the coding strand, the reverse complement: RECQL is on the minus strand); the first of 9 consecutive A bases (chr12:21,471,375-21,471,383); deleting any one gives the same sequence. VCF-style (leftmost placement, unchanged base first): chr12-21471374-TA-T. GRCh37 (hg19) VCF-style: chr12-21624308-TA-T.
Other names: c.1667+53del (NM_032941.3).
Identifiers: ClinVar variation 679694 (VCV000679694.1), dbSNP rs56736899, ClinGen allele CA233565103.

ClinVar aggregate classification (germline): Benign (1 of 4 stars; one submission).

Submission:

GeneDx
Classification: Benign. Last evaluated: 2018-06-20. Review status: criteria provided, single submitter. Criteria: GeneDx Variant Classification (06012015). Collection method: clinical testing. Allele origin: germline. Affected: yes.
Comment: This variant is considered likely benign or benign based on one or more of the following criteria: it is a conservative change, it occurs at a poorly conserved position in the protein, it is predicted to be benign by multiple in silico algorithms, and/or has population frequency not consistent with disease.